The following is an entry in ClinVar:

NC_000023.10:g.(?_22208541)_(22208639_?)del

Gene: PHEX (phosphate regulating endopeptidase X-linked; plus strand). Cytogenetic location: Xp22.11.
Variant type: Deletion.
Identifiers: ClinVar variation 1071852 (VCV001071852.8).

ClinVar aggregate classification (germline): Pathogenic (1 of 4 stars; one submission).

Submission:

Labcorp Genetics (formerly Invitae), Labcorp
Classification: Pathogenic. Last evaluated: 2022-12-25. Review status: criteria provided, single submitter. Criteria: Invitae Variant Classification Sherloc (09022015). Collection method: clinical testing. Allele origin: germline.
Comment: For these reasons, this variant has been classified as Pathogenic. A similar copy number variant has been observed in individuals with clinical features of hypophosphatemia (Invitae). This variant is a gross deletion of the genomic region encompassing exon(s) 15 of the PHEX gene. This deletion is out-of-frame, and is expected to create a premature termination codon and result in an absent or disrupted protein product. Loss-of-function variants in PHEX are known to be pathogenic (PMID: 9097956, 9106524, 19219621).

Literature cited by the submitters: PubMed 9097956; PubMed 9106524; PubMed 19219621.